The following is an entry in ClinVar:

NM_001378964.1(CDON):c.2258C>T (p.Ala753Val)

Gene: CDON (cell adhesion associated, oncogene regulated; minus strand). Cytogenetic location: 11q24.2.
Variant type: single nucleotide variant.
Coding change: c.2258C>T on transcript NM_001378964.1 (MANE Select); coding-DNA position 2258, C replaced by T.
Protein change: p.Ala753Val; replaces alanine 753 with valine.
Molecular consequence: missense variant.
Genome position (GRCh38, 1-based): chr11:125,997,311, G>A on the plus strand (C>T on the coding strand, the complement: CDON is on the minus strand). VCF-style: chr11-125997311-G-A. GRCh37 (hg19) VCF-style: chr11-125867206-G-A.
Other names: c.2258C>T, p.Ala753Val (NM_001243597.3, NM_016952.6); short protein forms A753V.
Identifiers: ClinVar variation 2788568 (VCV002788568.3), dbSNP rs1450375488, ClinGen allele CA383206183.

ClinVar aggregate classification (germline): Uncertain significance (1 of 4 stars; one submission).

Conditions:
Holoprosencephaly 11 (HPE11). Identifiers: Orphanet 2162, MedGen C3280215, MONDO:0013642, OMIM 614226.

Allele frequency attached by ClinVar (database versions not stated): TOPMed below 0.00001.

Submission:

Labcorp Genetics (formerly Invitae), Labcorp
Classification: Uncertain significance for Holoprosencephaly 11. Last evaluated: 2023-07-16. Review status: criteria provided, single submitter. Criteria: Invitae Variant Classification Sherloc (09022015). Collection method: clinical testing. Allele origin: germline.
Comment: This variant has not been reported in the literature in individuals affected with CDON-related conditions. This variant is not present in population databases (gnomAD no frequency). This sequence change replaces alanine, which is neutral and non-polar, with valine, which is neutral and non-polar, at codon 753 of the CDON protein (p.Ala753Val). In summary, the available evidence is currently insufficient to determine the role of this variant in disease. Therefore, it has been classified as a Variant of Uncertain Significance. Advanced modeling of protein sequence and biophysical properties (such as structural, functional, and spatial information, amino acid conservation, physicochemical variation, residue mobility, and thermodynamic stability) performed at Invitae indicates that this missense variant is not expected to disrupt CDON protein function.